The following is an entry in ClinVar:

NM_005630.3(SLCO2A1):c.842C>T (p.Ala281Val)

Gene: SLCO2A1 (solute carrier organic anion transporter family member 2A1; minus strand). Cytogenetic location: 3q22.1.
Variant type: single nucleotide variant.
Coding change: c.842C>T on transcript NM_005630.3 (MANE Select); coding-DNA position 842, C replaced by T.
Protein change: p.Ala281Val; replaces alanine 281 with valine.
Molecular consequence: missense variant.
Genome position (GRCh38, 1-based): chr3:133,951,227, G>A on the plus strand (C>T on the coding strand, the complement: SLCO2A1 is on the minus strand). VCF-style: chr3-133951227-G-A. GRCh37 (hg19) VCF-style: chr3-133670071-G-A.
Other names: c.842C>T (NM_005630.2); short protein forms A281V.
Identifiers: ClinVar variation 1934401 (VCV001934401.6), dbSNP rs772212922, ClinGen allele CA2626687.

ClinVar aggregate classification (germline): Conflicting classifications of pathogenicity. Review status: criteria provided, conflicting classifications (1 of 4 stars). 2 submissions from 2 submitters: Uncertain significance (1); Likely benign (1). Last evaluated 2025-03-28.

Conditions:
Inborn genetic diseases. Identifiers: MedGen C0950123, MeSH D030342.

Allele frequency attached by ClinVar (database versions not stated): ExAC 0.00001; gnomAD 0.00001; TOPMed 0.00003.
gnomAD v4.1: 32 of 1,613,960 alleles (0.002%); highest among the groups gnomAD compares: Non-Finnish European, 0.0027%; no homozygotes.

Submissions (2):

Ambry Genetics
Classification: Likely benign for Inborn genetic diseases. Last evaluated: 2025-03-28. Review status: criteria provided, single submitter. Criteria: Ambry Variant Classification Scheme 2023. Collection method: clinical testing. Allele origin: germline.

Labcorp Genetics (formerly Invitae), Labcorp
Classification: Uncertain significance. Last evaluated: 2022-08-16. Review status: criteria provided, single submitter. Criteria: Invitae Variant Classification Sherloc (09022015). Collection method: clinical testing. Allele origin: germline.
Comment: This variant has not been reported in the literature in individuals affected with SLCO2A1-related conditions. Algorithms developed to predict the effect of missense changes on protein structure and function output the following: SIFT: "Tolerated"; PolyPhen-2: "Benign"; Align-GVGD: "Class C0". The valine amino acid residue is found in multiple mammalian species, which suggests that this missense change does not adversely affect protein function. In summary, the available evidence is currently insufficient to determine the role of this variant in disease. Therefore, it has been classified as a Variant of Uncertain Significance. This sequence change replaces alanine, which is neutral and non-polar, with valine, which is neutral and non-polar, at codon 281 of the SLCO2A1 protein (p.Ala281Val). This variant is present in population databases (rs772212922, gnomAD 0.002%).